The following is an entry in ClinVar:

NM_005529.7(HSPG2):c.6260G>A (p.Arg2087Gln)

Gene: HSPG2 (heparan sulfate proteoglycan 2; minus strand). Cytogenetic location: 1p36.12.
Variant type: single nucleotide variant.
Coding change: c.6260G>A on transcript NM_005529.7 (MANE Select); coding-DNA position 6260, G replaced by A.
Protein change: p.Arg2087Gln; replaces arginine 2087 with glutamine.
Molecular consequence: missense variant.
Genome position (GRCh38, 1-based): chr1:21,854,639, C>T on the plus strand (G>A on the coding strand, the complement: HSPG2 is on the minus strand). VCF-style: chr1-21854639-C-T. GRCh37 (hg19) VCF-style: chr1-22181132-C-T.
Other names: c.6263G>A, p.Arg2088Gln (NM_001291860.2); short protein forms R2088Q, R2087Q.
Identifiers: ClinVar variation 3711062 (VCV003711062.2).

ClinVar aggregate classification (germline): Uncertain significance (1 of 4 stars; one submission).

gnomAD v4.1: 48 of 1,582,792 alleles (0.003%); highest among the groups gnomAD compares: South Asian, 0.029%; no homozygotes.

Submission:

Labcorp Genetics (formerly Invitae), Labcorp
Classification: Uncertain significance. Last evaluated: 2025-02-13. Review status: criteria provided, single submitter. Criteria: Invitae Variant Classification Sherloc (09022015). Collection method: clinical testing. Allele origin: germline.
Comment: This sequence change replaces arginine, which is basic and polar, with glutamine, which is neutral and polar, at codon 2087 of the HSPG2 protein (p.Arg2087Gln). This variant is present in population databases (rs141582415, gnomAD 0.03%). This variant has not been reported in the literature in individuals affected with HSPG2-related conditions. An algorithm developed to predict the effect of missense changes on protein structure and function (PolyPhen-2) suggests that this variant is likely to be disruptive. In summary, the available evidence is currently insufficient to determine the role of this variant in disease. Therefore, it has been classified as a Variant of Uncertain Significance.